The following is an entry in ClinVar:

ClinVar aggregate classification (germline): Pathogenic (1 of 4 stars; one submission).

Conditions:
Arrhythmogenic right ventricular dysplasia 8 (ARVD8). Also called: ARRHYTHMOGENIC RIGHT VENTRICULAR DYSPLASIA, FAMILIAL, 8; ARRHYTHMOGENIC RIGHT VENTRICULAR CARDIOMYOPATHY 8; Arrhythmogenic Right Ventricular Dysplasia/Cardiomyopathy 8. Identifiers: MedGen C1843896, MONDO:0011831, OMIM 607450.

Submission:

3billion
Classification: Pathogenic for Arrhythmogenic right ventricular dysplasia 8. Last evaluated: 2023-08-04. Review status: criteria provided, single submitter. Criteria: ACMG Guidelines, 2015. Collection method: clinical testing. Allele origin: germline. Affected: yes.
Comment: The variant is not observed in the gnomAD v2.1.1 dataset. Predicted Consequence/Location: Stop-gained (nonsense): predicted to result in a loss or disruption of normal protein function through nonsense-mediated decay (NMD) or protein truncation. Multiple pathogenic variants are reported downstream of the variant. The variant has been reported to be associated with DSP related disorder (3billion dataset). Therefore, this variant is classified as Pathogenic according to the recommendation of ACMG/AMP guideline.

NM_004415.4(DSP):c.2242G>T (p.Gly748Ter)

Gene: DSP (desmoplakin; plus strand). Cytogenetic location: 6p24.3.
Variant type: single nucleotide variant.
Coding change: c.2242G>T on transcript NM_004415.4 (MANE Select); coding-DNA position 2242, G replaced by T.
Protein change: p.Gly748Ter; replaces glycine 748 with a stop codon.
Molecular consequence: nonsense.
Genome position (GRCh38, 1-based): chr6:7,574,197, G>T. VCF-style: chr6-7574197-G-T. GRCh37 (hg19) VCF-style: chr6-7574430-G-T.
Other names: c.2242G>T, p.Gly748Ter (NM_001008844.3, NM_001319034.2); short protein forms G748*.
Identifiers: ClinVar variation 3775759 (VCV003775759.1).